The following is an entry in ClinVar:

NM_015662.3(IFT172):c.3674G>A (p.Arg1225Gln)

Genes: IFT172 (intraflagellar transport 172; minus strand), LOC126806173 (BRD4-independent group 4 enhancer GRCh37_chr2:27676057-27677256; plus strand). Cytogenetic location: 2p23.3.
Variant type: single nucleotide variant.
Coding change: c.3674G>A on transcript NM_015662.3 (MANE Select); coding-DNA position 3674, G replaced by A.
Protein change: p.Arg1225Gln; replaces arginine 1225 with glutamine.
Molecular consequence: missense variant.
Genome position (GRCh38, 1-based): chr2:27,454,019, C>T on the plus strand (G>A on the coding strand, the complement: IFT172 is on the minus strand). VCF-style: chr2-27454019-C-T. GRCh37 (hg19) VCF-style: chr2-27676886-C-T.
Other names: c.3674G>A (NM_015662.1); short protein forms R1225Q.
Identifiers: ClinVar variation 837274 (VCV000837274.26), dbSNP rs141440865, ClinGen allele CA1579906.

ClinVar aggregate classification (germline): Conflicting classifications of pathogenicity. Review status: criteria provided, conflicting classifications (1 of 4 stars). 7 submissions from 7 submitters: Uncertain significance (4); Likely benign (2). 1 of the submissions does not count toward it. Last evaluated 2026-02-13.

Conditions:
Inborn genetic diseases. Identifiers: MedGen C0950123, MeSH D030342.
Bardet-Biedl syndrome 20. Identifiers: MedGen C4310707, MONDO:0023670, OMIM 619471, MONDO:0014926.
Short-rib thoracic dysplasia 10 with or without polydactyly (SRTD10). Identifiers: Orphanet 474, MedGen C3810175, MONDO:0014284, OMIM 615630.
Retinitis pigmentosa 71 (RP71). Identifiers: Orphanet 791, MedGen C4225342, MONDO:0014618, OMIM 616394.
IFT172-related disorder. Also called: IFT172-related disorders; IFT172-related condition.
Asphyxiating thoracic dystrophy 1 (SRTD1). Also called: SHORT-RIB THORACIC DYSPLASIA 1 WITH OR WITHOUT POLYDACTYLY. Identifiers: Orphanet 474, MedGen C4551856, MONDO:0008831, OMIM 208500.

Allele frequency attached by ClinVar (database versions not stated): ESP Exome Variant Server 0.00023; ExAC 0.00025; gnomAD exomes 0.00034 and 0.00042; gnomAD 0.00038 and 0.00041; TOPMed 0.00039.
gnomAD v4.1: 652 of 1,613,832 alleles (0.04%); highest among the groups gnomAD compares: Admixed American, 0.088%; 1 homozygote.

Submissions (7):

GeneDx
Classification: Uncertain significance. Last evaluated: 2026-02-13. Review status: criteria provided, single submitter. Criteria: GeneDx Variant Classification Process June 2021. Collection method: clinical testing. Allele origin: germline. Affected: yes.
Comment: Identified in the presence of a second IFT172 variant, phase unknown, in a patient with retinitis pigmentosa (PMID: 36819107); In silico analysis supports that this missense variant has a deleterious effect on protein structure/function; This variant is associated with the following publications: (PMID: 36819107)

Labcorp Genetics (formerly Invitae), Labcorp
Classification: Likely benign for Retinitis pigmentosa 71; Short-rib thoracic dysplasia 10 with or without polydactyly. Last evaluated: 2025-12-25. Review status: criteria provided, single submitter. Criteria: Invitae Variant Classification Sherloc (09022015). Collection method: clinical testing. Allele origin: germline.

Blueprint Genetics
Classification: Likely benign. Last evaluated: 2024-10-07. Review status: criteria provided, single submitter. Criteria: ACMG Guidelines, 2015. Collection method: clinical testing. Allele origin: germline.

Ambry Genetics
Classification: Uncertain significance for Inborn genetic diseases. Last evaluated: 2022-12-16. Review status: criteria provided, single submitter. Criteria: Ambry Variant Classification Scheme 2023. Collection method: clinical testing. Allele origin: germline.

Fulgent Genetics
Classification: Uncertain significance for Short-rib thoracic dysplasia 10 with or without polydactyly; Retinitis pigmentosa 71; Bardet-Biedl syndrome 20. Last evaluated: 2022-03-12. Review status: criteria provided, single submitter. Criteria: ACMG Guidelines, 2015. Collection method: clinical testing. Allele origin: unknown.

Genetic Services Laboratory, University of Chicago
Classification: Uncertain significance. Last evaluated: 2018-05-18. Review status: criteria provided, single submitter. Criteria: ACMG Guidelines, 2015. Collection method: clinical testing. Allele origin: germline. Affected: no.

PreventionGenetics, part of Exact Sciences
Classification: Likely benign for IFT172-related condition. Last evaluated: 2020-11-03. Review status: no assertion criteria provided. Collection method: clinical testing. Allele origin: germline. Not counted in ClinVar's aggregate classification.
Comment: This variant is classified as likely benign based on ACMG/AMP sequence variant interpretation guidelines (Richards et al. 2015 PMID: 25741868, with internal and published modifications).